The following is an entry in ClinVar:

NM_052867.4(NALCN):c.2102A>G (p.Lys701Arg)

Gene: NALCN (sodium leak channel, non-selective; minus strand). Cytogenetic location: 13q33.1.
Variant type: single nucleotide variant.
Coding change: c.2102A>G on transcript NM_052867.4 (MANE Select); coding-DNA position 2102, A replaced by G.
Protein change: p.Lys701Arg; replaces lysine 701 with arginine.
Molecular consequence: missense variant.
Genome position (GRCh38, 1-based): chr13:101,143,096, T>C on the plus strand (A>G on the coding strand, the complement: NALCN is on the minus strand). VCF-style: chr13-101143096-T-C. GRCh37 (hg19) VCF-style: chr13-101795447-T-C.
Other names: c.2102A>G, p.Lys701Arg (NM_001350748.2, NM_001350749.2); c.2015A>G, p.Lys672Arg (NM_001350750.2, NM_001350751.2); c.2102A>G (NM_052867.2); short protein forms K672R, K701R.
Identifiers: ClinVar variation 3621314 (VCV003621314.4).

ClinVar aggregate classification (germline): Uncertain significance. Review status: criteria provided, multiple submitters, no conflicts (2 of 4 stars). 3 submissions from 3 submitters: Uncertain significance (3). Last evaluated 2026-03-27.

Conditions:
Inborn genetic diseases. Identifiers: MedGen C0950123, MeSH D030342.

Submissions (3):

GeneDx
Classification: Uncertain significance. Last evaluated: 2026-03-27. Review status: criteria provided, single submitter. Criteria: GeneDx Variant Classification Process June 2021. Collection method: clinical testing. Allele origin: germline.
Comment: In silico analysis suggests that this missense variant does not alter protein structure/function; Has not been previously published as pathogenic or benign to our knowledge

Labcorp Genetics (formerly Invitae), Labcorp
Classification: Uncertain significance. Last evaluated: 2025-11-09. Review status: criteria provided, single submitter. Criteria: Invitae Variant Classification Sherloc (09022015). Collection method: clinical testing. Allele origin: germline.
Comment: This sequence change replaces lysine, which is basic and polar, with arginine, which is basic and polar, at codon 701 of the NALCN protein (p.Lys701Arg). This variant is present in population databases (rs77008068, gnomAD 0.003%). This variant has not been reported in the literature in individuals affected with NALCN-related conditions. ClinVar contains an entry for this variant (Variation ID: 3621314). Invitae Evidence Modeling of protein sequence and biophysical properties (such as structural, functional, and spatial information, amino acid conservation, physicochemical variation, residue mobility, and thermodynamic stability) indicates that this missense variant is not expected to disrupt NALCN protein function with a negative predictive value of 80%. In summary, the available evidence is currently insufficient to determine the role of this variant in disease. Therefore, it has been classified as a Variant of Uncertain Significance.

Ambry Genetics
Classification: Uncertain significance for Inborn genetic diseases. Last evaluated: 2025-10-24. Review status: criteria provided, single submitter. Criteria: Ambry Variant Classification Scheme 2023. Collection method: clinical testing. Allele origin: germline.